The following is an entry in ClinVar:

ClinVar aggregate classification (germline): Uncertain significance. Review status: criteria provided, multiple submitters, no conflicts (2 of 4 stars). 2 submissions from 2 submitters: Uncertain significance (2). Last evaluated 2025-11-23.

Conditions:
Cardiovascular phenotype. Identifiers: MedGen CN230736.

Submissions (2):

Labcorp Genetics (formerly Invitae), Labcorp
Classification: Uncertain significance. Last evaluated: 2025-11-23. Review status: criteria provided, single submitter. Criteria: Invitae Variant Classification Sherloc (09022015). Collection method: clinical testing. Allele origin: germline.
Comment: This sequence change replaces arginine, which is basic and polar, with cysteine, which is neutral and slightly polar, at codon 226 of the APOA5 protein (p.Arg226Cys). This variant is present in population databases (rs770555817, gnomAD 0.007%). This missense change has been observed in individual(s) with clinical features of APOA5-related conditions (PMID: 36325899). ClinVar contains an entry for this variant (Variation ID: 3931820). An algorithm developed to predict the effect of missense changes on protein structure and function (PolyPhen-2) suggests that this variant is likely to be disruptive. In summary, the available evidence is currently insufficient to determine the role of this variant in disease. Therefore, it has been classified as a Variant of Uncertain Significance.

Ambry Genetics
Classification: Uncertain significance for Cardiovascular phenotype. Last evaluated: 2025-05-31. Review status: criteria provided, single submitter. Criteria: Ambry Variant Classification Scheme 2023. Collection method: clinical testing. Allele origin: germline.
Comment: The p.R226C variant (also known as c.676C>T), located in coding exon 3 of the APOA5 gene, results from a C to T substitution at nucleotide position 676. The arginine at codon 226 is replaced by cysteine, an amino acid with highly dissimilar properties. This variant has been identified in the homozygous state and/or in conjunction with other APOA5 variant(s) in individual(s) with severe hypertriglyceridemia (Puerto-Baracaldo K et al. J Clin Lipidol, 2024 Aug;18:e1074-e1085). This amino acid position is highly conserved in available vertebrate species. In addition, the in silico prediction for this alteration is inconclusive. Based on the available evidence, the clinical significance of this variant remains unclear.

Literature cited by the submitters: PubMed 36325899 (cited by Labcorp Genetics (formerly Invitae), Labcorp); PubMed 39278772 (cited by Ambry Genetics).

NM_001371904.1(APOA5):c.676C>T (p.Arg226Cys)

Gene: APOA5 (apolipoprotein A5; minus strand). Cytogenetic location: 11q23.3.
Variant type: single nucleotide variant.
Coding change: c.676C>T on transcript NM_001371904.1 (MANE Select); coding-DNA position 676, C replaced by T.
Protein change: p.Arg226Cys; replaces arginine 226 with cysteine.
Molecular consequence: missense variant.
Genome position (GRCh38, 1-based): chr11:116,790,553, G>A on the plus strand (C>T on the coding strand, the complement: APOA5 is on the minus strand). VCF-style: chr11-116790553-G-A. GRCh37 (hg19) VCF-style: chr11-116661269-G-A.
Other names: c.676C>T, p.Arg226Cys (NM_001166598.2, NM_052968.5); short protein forms R226C.
Identifiers: ClinVar variation 3931820 (VCV003931820.2).